The following is an entry in ClinVar:

ClinVar aggregate classification (germline): Likely benign. Review status: criteria provided, multiple submitters, no conflicts (2 of 4 stars). 2 submissions from 2 submitters: Likely benign (2). Last evaluated 2026-06-07.

Conditions:
TRIM63-related disorder. Also called: TRIM63-related condition.

gnomAD v4.1: 161 of 1,613,112 alleles (0.01%); highest among the groups gnomAD compares: Non-Finnish European, 0.013%; no homozygotes.

Submissions (2):

PreventionGenetics, part of Exact Sciences
Classification: Likely benign for TRIM63-related condition. Last evaluated: 2026-06-07. Review status: criteria provided, single submitter. Criteria: ACMG Guidelines, 2015. Collection method: clinical testing. Allele origin: germline.
Comment: This variant is classified as likely benign based on ACMG/AMP sequence variant interpretation guidelines (Richards et al. 2015 PMID: 25741868, with internal and published modifications).

Molecular Diagnostic Laboratory for Inherited Cardiovascular Disease, Montreal Heart Institute
Classification: Likely benign. Last evaluated: 2026-03-27. Review status: criteria provided, single submitter. Criteria: ACMG Guidelines, 2015. Collection method: clinical testing. Allele origin: germline. Affected: no.
Comment: PM2

NM_032588.4(TRIM63):c.159+10G>A

Gene: TRIM63 (tripartite motif containing 63; minus strand). Cytogenetic location: 1p36.11.
Variant type: single nucleotide variant.
Coding change: c.159+10G>A on transcript NM_032588.4 (MANE Select); 10 bases into the intron after coding-DNA position 159, G replaced by A.
Molecular consequence: intron variant.
Genome position (GRCh38, 1-based): chr1:26,067,326, C>T on the plus strand (G>A on the coding strand, the complement: TRIM63 is on the minus strand). VCF-style: chr1-26067326-C-T. GRCh37 (hg19) VCF-style: chr1-26393817-C-T.
Other names: c.159+10G>A (NM_032588.3).
Identifiers: ClinVar variation 4820396 (VCV004820396.2), dbSNP rs200277313.
Genomic context (GRCh38, chr1:26,067,326, plus strand): 5'-GAAGGGTTTCATCACAGGGAAGCCAAGTAGCCACCTGGGGACCCCAAATGAAGCTGCACC[C>T]GGCACTTACCTGGAAGATGTCATTGGCACACTTCCGGCACAGGTTGTGCTGGCACGGCAA-3'